The following is an entry in ClinVar:

ClinVar aggregate classification (germline): Uncertain significance (1 of 4 stars; one submission).

Conditions:
Hereditary cancer-predisposing syndrome. Also called: Neoplastic Syndromes, Hereditary; Tumor predisposition; Hereditary Cancer Syndrome; Hereditary neoplastic syndrome. Identifiers: Orphanet 140162, MedGen C0027672, MeSH D009386, MONDO:0015356.

Submission:

Ambry Genetics
Classification: Uncertain significance for Hereditary cancer-predisposing syndrome. Last evaluated: 2025-10-03. Review status: criteria provided, single submitter. Criteria: Ambry Variant Classification Scheme 2023. Collection method: clinical testing. Allele origin: germline.
Comment: The p.T1583P variant (also known as c.4747A>C), located in coding exon 37 of the POLE gene, results from an A to C substitution at nucleotide position 4747. The threonine at codon 1583 is replaced by proline, an amino acid with highly similar properties. This amino acid position is conserved. In addition, the in silico prediction for this alteration is inconclusive. Based on the available evidence, the clinical significance of this variant remains unclear.

NM_006231.4(POLE):c.4747A>C (p.Thr1583Pro)

Gene: POLE (DNA polymerase epsilon, catalytic subunit; minus strand). Cytogenetic location: 12q24.33.
Variant type: single nucleotide variant.
Coding change: c.4747A>C on transcript NM_006231.4 (MANE Select); coding-DNA position 4747, A replaced by C.
Protein change: p.Thr1583Pro; replaces threonine 1583 with proline.
Molecular consequence: missense variant.
Genome position (GRCh38, 1-based): chr12:132,642,711, T>G on the plus strand (A>C on the coding strand, the complement: POLE is on the minus strand). VCF-style: chr12-132642711-T-G. GRCh37 (hg19) VCF-style: chr12-133219297-T-G.
Other names: short protein forms T1583P.
Identifiers: ClinVar variation 4670605 (VCV004670605.1).